The following is an entry in ClinVar:

NM_000212.3(ITGB3):c.2045C>T (p.Thr682Ile)

Gene: ITGB3 (integrin subunit beta 3; plus strand). Cytogenetic location: 17q21.32.
Variant type: single nucleotide variant.
Coding change: c.2045C>T on transcript NM_000212.3 (MANE Select); coding-DNA position 2045, C replaced by T.
Protein change: p.Thr682Ile; replaces threonine 682 with isoleucine.
Molecular consequence: missense variant.
Genome position (GRCh38, 1-based): chr17:47,302,751, C>T. VCF-style: chr17-47302751-C-T. GRCh37 (hg19) VCF-style: chr17-45380117-C-T.
Other names: short protein forms T682I.
Identifiers: ClinVar variation 4739408 (VCV004739408.1).

ClinVar aggregate classification (germline): Uncertain significance (1 of 4 stars; one submission).

gnomAD v4.1: 22 of 1,613,914 alleles (0.0014%); highest among the groups gnomAD compares: African/African-American, 0.0013%; no homozygotes.

Submission:

Labcorp Genetics (formerly Invitae), Labcorp
Classification: Uncertain significance. Last evaluated: 2026-01-21. Review status: criteria provided, single submitter. Criteria: Invitae Variant Classification Sherloc (09022015). Collection method: clinical testing. Allele origin: germline.
Comment: This sequence change replaces threonine, which is neutral and polar, with isoleucine, which is neutral and non-polar, at codon 682 of the ITGB3 protein (p.Thr682Ile). This variant is present in population databases (rs773804219, gnomAD 0.02%). This variant has not been reported in the literature in individuals affected with ITGB3-related conditions. Invitae Evidence Modeling of protein sequence and biophysical properties (such as structural, functional, and spatial information, amino acid conservation, physicochemical variation, residue mobility, and thermodynamic stability) indicates that this missense variant is not expected to disrupt ITGB3 protein function with a negative predictive value of 80%. In summary, the available evidence is currently insufficient to determine the role of this variant in disease. Therefore, it has been classified as a Variant of Uncertain Significance.